The following is an entry in ClinVar:

ClinVar aggregate classification (germline): Uncertain significance. Review status: criteria provided, multiple submitters, no conflicts (2 of 4 stars). 3 submissions from 3 submitters: Uncertain significance (3). Last evaluated 2025-10-01.

Conditions:
Inborn genetic diseases. Identifiers: MedGen C0950123, MeSH D030342.
Early-infantile DEE. Also called: Early infantile epileptic encephalopathy; Ohtahara syndrome; Early infantile epileptic encephalopathy with suppression bursts. Identifiers: Orphanet 1934, MedGen C0393706, MONDO:0800491.

Allele frequency attached by ClinVar (database versions not stated): gnomAD 0.00001; TOPMed 0.00003.
gnomAD v4.1: 3 of 1,607,140 alleles (0.00019%); highest among the groups gnomAD compares: Non-Finnish European, 0.00025%; no homozygotes.

Submissions (3):

Labcorp Genetics (formerly Invitae), Labcorp
Classification: Uncertain significance for Early-infantile DEE. Last evaluated: 2025-10-01. Review status: criteria provided, single submitter. Criteria: Invitae Variant Classification Sherloc (09022015). Collection method: clinical testing. Allele origin: germline.
Comment: This sequence change replaces cysteine, which is neutral and slightly polar, with serine, which is neutral and polar, at codon 1980 of the SCN8A protein (p.Cys1980Ser). This variant is not present in population databases (gnomAD no frequency). This variant has not been reported in the literature in individuals affected with SCN8A-related conditions. ClinVar contains an entry for this variant (Variation ID: 1349586). Invitae Evidence Modeling of protein sequence and biophysical properties (such as structural, functional, and spatial information, amino acid conservation, physicochemical variation, residue mobility, and thermodynamic stability) indicates that this missense variant is not expected to disrupt SCN8A protein function with a negative predictive value of 95%. In summary, the available evidence is currently insufficient to determine the role of this variant in disease. Therefore, it has been classified as a Variant of Uncertain Significance.

Mayo Clinic Laboratories, Mayo Clinic
Classification: Uncertain significance. Last evaluated: 2025-06-24. Review status: criteria provided, single submitter. Criteria: ACMG Guidelines, 2015. Collection method: clinical testing. Allele origin: germline. Observed: 1 variant allele.

Ambry Genetics
Classification: Uncertain significance for Inborn genetic diseases. Last evaluated: 2025-05-19. Review status: criteria provided, single submitter. Criteria: Ambry Variant Classification Scheme 2023. Collection method: clinical testing. Allele origin: germline.

NM_001330260.2(SCN8A):c.5938T>A (p.Cys1980Ser)

Gene: SCN8A (sodium voltage-gated channel alpha subunit 8; plus strand). Cytogenetic location: 12q13.13.
Variant type: single nucleotide variant.
Coding change: c.5938T>A on transcript NM_001330260.2 (MANE Select); coding-DNA position 5938, T replaced by A.
Protein change: p.Cys1980Ser; replaces cysteine 1980 with serine.
Molecular consequence: missense variant.
Genome position (GRCh38, 1-based): chr12:51,807,424, T>A. VCF-style: chr12-51807424-T-A. GRCh37 (hg19) VCF-style: chr12-52201208-T-A.
Other names: p.Cys1980Ser; c.5815T>A, p.Cys1939Ser (NM_001177984.3, NM_001369788.1); c.5938T>A, p.Cys1980Ser (NM_014191.4); c.5938T>A (NM_014191.2); short protein forms C1980S, C1939S.
Identifiers: ClinVar variation 1349586 (VCV001349586.11), dbSNP rs1322359113, ClinGen allele CA384890758.
Genomic context (GRCh38, chr12:51,807,424, plus strand): 5'-CGGGCAGAGGAAGGAAGAAGGGAAAGAGCCAAAAGACAAAAAGAGGTCAGAGAATCCAAG[T>A]GTTAGAGGAGAACAAAAATTCAGTATTATACAGATCTAAAACTCGCAAGTGAAAGATTGT-3'
Protein context (NP_001317189.1, residues 1970-1980): KRQKEVRESK[Cys1980Ser]